The following is an entry in ClinVar:

ClinVar aggregate classification (germline): Uncertain significance (1 of 4 stars; one submission).

Submission:

GeneDx
Classification: Uncertain significance. Last evaluated: 2025-08-13. Review status: criteria provided, single submitter. Criteria: GeneDx Variant Classification Process June 2021. Collection method: clinical testing. Allele origin: germline. Affected: yes.
Comment: Has not been previously published as pathogenic or benign to our knowledge; In-frame insertion of 7 amino acid(s) in a non-repeat region; Not observed at significant frequency in large population cohorts (gnomAD)

NM_000368.5(TSC1):c.69_89dup (p.Phe29_Lys30insAsnAspValThrAlaValPhe)

Gene: TSC1 (TSC complex subunit 1; minus strand). Cytogenetic location: 9q34.13.
Variant type: Duplication.
Coding change: c.69_89dup on transcript NM_000368.5 (MANE Select); coding-DNA positions 69 to 89, 21 bases duplicated (CGACGTGACAGCTGTCTTTAA).
Protein change: p.Phe29_Lys30insAsnAspValThrAlaValPhe.
Molecular consequence: inframe indel (on NM_000368.4). On other transcripts: 5 prime UTR variant (16), non-coding transcript variant (5), intron variant (2).
Genome position (GRCh38, 1-based): chr9:132,928,784-132,928,804, TTAAAGACAGCTGTCACGTCG duplicated on the plus strand (CGACGTGACAGCTGTCTTTAA on the coding strand, the reverse complement: TSC1 is on the minus strand); duplicating any 21 consecutive bases within chr9:132,928,784-132,928,805 gives the same sequence; the c. name uses the placement nearest the transcript's 3' end. VCF-style (leftmost placement, unchanged base first): chr9-132928783-T-TTTAAAGACAGCTGTCACGTCG. GRCh37 (hg19) VCF-style: chr9-135804170-T-TTTAAAGACAGCTGTCACGTCG.
Other names: c.69_89dup (NM_000368.4); c.69_89dup, p.Phe29_Lys30insAsnAspValThrAlaValPhe (NM_001162426.2, NM_001162427.2, NM_001406592.1 and 21 more transcripts); c.-191_-171dup (NM_001362177.2, NM_001406617.1, NM_001406619.1 and 3 more transcripts); c.-283_-263dup (NM_001406614.1); c.-420_-400dup (NM_001406615.1, NM_001406623.1); c.-387_-367dup (NM_001406616.1, NM_001406624.1); c.-809_-789dup (NM_001406626.1, NM_001406627.1, NM_001406628.1); c.-951_-931dup (NM_001406629.1); and 2 more.
Identifiers: ClinVar variation 3602276 (VCV003602276.2).
Genomic context (GRCh38, chr9:132,928,783, plus strand): 5'-CTTCTTTCTAGAAGATAAGCTAAAAAGGATATTATTTTGCTAACCAGAATTGAGGTTCTC[T>TTTAAAGACAGCTGTCACGTCG]TTAAAGACAGCTGTCACGTCGTCCCGCACACCCAGCATGGGGGAGTCCAGCATGGCAAGA-3'